The following is an entry in ClinVar:

NM_014806.5(RUSC2):c.622C>A (p.Pro208Thr)

Gene: RUSC2 (RUN and SH3 domain containing 2; plus strand). Cytogenetic location: 9p13.3.
Variant type: single nucleotide variant.
Coding change: c.622C>A on transcript NM_014806.5 (MANE Select); coding-DNA position 622, C replaced by A.
Protein change: p.Pro208Thr; replaces proline 208 with threonine.
Molecular consequence: missense variant. On other transcripts: non-coding transcript variant (1), intron variant (1).
Genome position (GRCh38, 1-based): chr9:35,547,143, C>A. VCF-style: chr9-35547143-C-A. GRCh37 (hg19) VCF-style: chr9-35547140-C-A.
Other names: c.622C>A, p.Pro208Thr (NM_001135999.2); c.-620-7917C>A (NM_001330740.2); short protein forms P208T.
Identifiers: ClinVar variation 2017260 (VCV002017260.4), dbSNP rs1435454805, ClinGen allele CA373328081.

ClinVar aggregate classification (germline): Uncertain significance (1 of 4 stars; one submission).

Allele frequency attached by ClinVar (database versions not stated): TOPMed below 0.00001; gnomAD 0.00001.
gnomAD v4.1: 4 of 1,613,962 alleles (0.00025%); highest among the groups gnomAD compares: Non-Finnish European, 0.00034%; no homozygotes.

Submission:

Labcorp Genetics (formerly Invitae), Labcorp
Classification: Uncertain significance. Last evaluated: 2022-05-26. Review status: criteria provided, single submitter. Criteria: Invitae Variant Classification Sherloc (09022015). Collection method: clinical testing. Allele origin: germline.
Comment: This sequence change replaces proline, which is neutral and non-polar, with threonine, which is neutral and polar, at codon 208 of the RUSC2 protein (p.Pro208Thr). This variant is present in population databases (no rsID available, gnomAD 0.002%). This variant has not been reported in the literature in individuals affected with RUSC2-related conditions. Algorithms developed to predict the effect of missense changes on protein structure and function are either unavailable or do not agree on the potential impact of this missense change (SIFT: "Tolerated"; PolyPhen-2: "Possibly Damaging"; Align-GVGD: "Class C0"). In summary, the available evidence is currently insufficient to determine the role of this variant in disease. Therefore, it has been classified as a Variant of Uncertain Significance.